The following is an entry in ClinVar:

NM_000384.3(APOB):c.9115_9119del (p.Phe3039fs)

Gene: APOB (apolipoprotein B; minus strand). Cytogenetic location: 2p24.1.
Variant type: Microsatellite.
Coding change: c.9115_9119del on transcript NM_000384.3 (MANE Select); coding-DNA positions 9115 to 9119, 5 bases deleted (TTTTC; older notation c.9115_9119delTTTTC).
Protein change: p.Phe3039fs; shifts the reading frame from phenylalanine 3039.
Molecular consequence: frameshift variant.
Genome position (GRCh38, 1-based): chr2:21,007,749-21,007,753, GAAAA deleted on the plus strand (TTTTC on the coding strand, the reverse complement: APOB is on the minus strand); deleting any 5 consecutive bases within chr2:21,007,749-21,007,760 gives the same sequence; the c. name uses the placement nearest the transcript's 3' end. VCF-style (leftmost placement, unchanged base first): chr2-21007748-TGAAAA-T. GRCh37 (hg19) VCF-style: chr2-21230620-TGAAAA-T.
Other names: c.9115_9119delTTTTC (NM_000384.3); short protein forms F3039fs.
Identifiers: ClinVar variation 544076 (VCV000544076.19), dbSNP rs1215189537, ClinGen allele CA345992396.
Genomic context (GRCh38, chr2:21,007,748, plus strand): 5'-AAAACGAACTTTCAAATTCCCTTCATTGTTTGTGGATGCCGTGATCTCAAATGGCTGGGC[TGAAAA>T]GAAAAGAGAATTTTTCAAAGTTCCAATAACCTTTCCATTTAAATGAGCATCATGCCTCCC-3'

ClinVar aggregate classification (germline): Pathogenic/Likely pathogenic. Review status: criteria provided, multiple submitters, no conflicts (2 of 4 stars). 7 submissions from 7 submitters: Pathogenic (3); Likely pathogenic (4). Last evaluated 2025-11-04.

Conditions:
Familial hypobetalipoproteinemia 1. Also called: Hypobetalipoproteinemia, normotriglyceridemic; Acanthocytosis with hypobetalipoproteinemia; APOB-Related Familial Hypobetalipoproteinemia. Identifiers: MedGen C4551990, MONDO:0014252, OMIM 615558.
Early-onset coronary artery disease. Identifiers: MedGen C4229399.
Hypercholesterolemia, autosomal dominant, type B (FHCL2). Also called: Familial hypercholesterolemia 2; APOB-Related Familial Hypercholesterolemia, Autosomal Dominant; HYPERCHOLESTEROLEMIA, FAMILIAL, DUE TO LIGAND-DEFECTIVE APOLIPOPROTEIN B; Hyperlipoproteinemia Type IIb; Familial Hypercholesterolemia Type B; APOLIPOPROTEIN B-100, FAMILIAL DEFECTIVE. Identifiers: MedGen C1704417, MONDO:0007751, OMIM 144010.

Submissions (7):

Variantyx, Inc.
Classification: Likely pathogenic for Familial hypobetalipoproteinemia 1. Last evaluated: 2025-11-04. Review status: criteria provided, single submitter. Criteria: Variantyx Assertion Criteria 2022. Collection method: clinical testing. Allele origin: germline. Inheritance: Autosomal recessive inheritance. Affected: no.
Comment: This is a frameshift variant in the APOB gene (OMIM: 107730). Pathogenic variants in this gene have been associated with autosomal recessive familial hypobetalipoproteinemia 1. This variant introduces a premature termination codon in exon 26 out of 29 and is expected to result in loss of function, which is a known disease mechanism for APOB in this disorder (PVS1) (PMID:33997894). This variant has a 0.0013% maximum allele frequency in non-founder control populations (PM2). Based on the current evidence, this variant is classified as likely pathogenic for autosomal recessive familial hypobetalipoproteinemia 1.

Labcorp Genetics (formerly Invitae), Labcorp
Classification: Pathogenic for Familial hypobetalipoproteinemia 1; Hypercholesterolemia, autosomal dominant, type B. Last evaluated: 2025-04-27. Review status: criteria provided, single submitter. Criteria: Invitae Variant Classification Sherloc (09022015). Collection method: clinical testing. Allele origin: germline.
Comment: This sequence change creates a premature translational stop signal (p.Phe3039Serfs*5) in the APOB gene. It is expected to result in an absent or disrupted protein product. Loss-of-function variants in APOB are known to be pathogenic (PMID: 20032471). This variant is present in population databases (no rsID available, gnomAD 0.004%). This variant has not been reported in the literature in individuals affected with APOB-related conditions. For these reasons, this variant has been classified as Pathogenic.

Women's Health and Genetics/Laboratory Corporation of America, LabCorp
Classification: Pathogenic for Early-onset coronary artery disease. Last evaluated: 2024-06-11. Review status: criteria provided, single submitter. Criteria: LabCorp Variant Classification Summary - May 2015. Collection method: clinical testing. Allele origin: germline.
Comment: Variant summary: APOB c.9115_9119delTTTTC (p.Phe3039SerfsX5) results in a premature termination codon, predicted to cause a truncation of the encoded protein or absence of the protein due to nonsense mediated decay, which are commonly known mechanisms for disease. The variant allele was found at a frequency of 4e-06 in 250480 control chromosomes. c.9115_9119delTTTTC has been reported in the literature in individuals evaluated for APOB-related conditions without reported phenotypes (e.g. Dron_2023, Oetjens_2019). To our knowledge, no experimental evidence demonstrating an impact on protein function has been reported. The following publications have been ascertained in the context of this evaluation (PMID: 36723951, 31653860). ClinVar contains an entry for this variant (Variation ID: 544076). Based on the evidence outlined above, the variant was classified as pathogenic.

Illumina Laboratory Services, Illumina
Classification: Likely pathogenic for Familial hypobetalipoproteinemia 1. Last evaluated: 2024-04-10. Review status: criteria provided, single submitter. Criteria: ICSLVariantClassificationCriteria RUGD 01 April 2020. Collection method: clinical testing. Allele origin: unknown.
Comment: The APOB c.9115_9119del p.(Phe3039SerfsTer5) variant causes a shift in the protein reading frame that is predicted to result in premature termination of the protein. Loss of normal protein function through nonsense-mediated mRNA decay is expected. This variant has been identified in an individual with a phenotype consistent with familial hypobetalipoproteinemia (PMID: 33454241). This variant is not observed at a significant frequency in version 2.1.1 or version 4.0.0 of the Genome Aggregation Database. Based on the available evidence, the c.9115_9119del p.(Phe3039SerfsTer5) variant is classified as likely pathogenic for familial hypobetalipoproteinemia.

Fulgent Genetics
Classification: Likely pathogenic for Hypercholesterolemia, autosomal dominant, type B; Familial hypobetalipoproteinemia 1. Last evaluated: 2021-11-06. Review status: criteria provided, single submitter. Criteria: ACMG Guidelines, 2015. Collection method: clinical testing. Allele origin: unknown.

Revvity Omics, Revvity
Classification: Likely pathogenic. Last evaluated: 2021-02-03. Review status: criteria provided, single submitter. Criteria: ACMG Guidelines, 2015. Collection method: clinical testing. Allele origin: germline.

Knight Diagnostic Laboratories, Oregon Health and Sciences University
Classification: Pathogenic for Hypobetalipoproteinemia, familial, 1. Last evaluated: 2018-07-25. Review status: criteria provided, single submitter. Criteria: ACMG Guidelines, 2015. Collection method: clinical testing. Allele origin: germline. Observed: 1 variant allele.

Literature cited by the submitters: PubMed 3399894 (cited by Variantyx, Inc.); PubMed 20032471 (cited by Labcorp Genetics (formerly Invitae), Labcorp); PubMed 36723951 (cited by Women's Health and Genetics/Laboratory Corporation of America, LabCorp); PubMed 31653860 (cited by Women's Health and Genetics/Laboratory Corporation of America, LabCorp).